The following is an entry in ClinVar:

ClinVar aggregate classification (germline): Uncertain significance. Review status: criteria provided, multiple submitters, no conflicts (2 of 4 stars). 2 submissions from 2 submitters: Uncertain significance (2). Last evaluated 2024-11-30.

Conditions:
Inborn genetic diseases. Identifiers: MedGen C0950123, MeSH D030342.

Allele frequency attached by ClinVar (database versions not stated): gnomAD exomes 0.00001; ExAC 0.00004.
gnomAD v4.1: 9 of 1,504,914 alleles (0.0006%); highest among the groups gnomAD compares: Middle Eastern, 0.017%; no homozygotes.

Submissions (2):

Labcorp Genetics (formerly Invitae), Labcorp
Classification: Uncertain significance. Last evaluated: 2024-11-30. Review status: criteria provided, single submitter. Criteria: Invitae Variant Classification Sherloc (09022015). Collection method: clinical testing. Allele origin: germline.
Comment: This sequence change replaces serine, which is neutral and polar, with glycine, which is neutral and non-polar, at codon 499 of the PDE4D protein (p.Ser499Gly). The frequency data for this variant in the population databases is considered unreliable, as metrics indicate poor data quality at this position in the gnomAD database. This variant has not been reported in the literature in individuals affected with PDE4D-related conditions. ClinVar contains an entry for this variant (Variation ID: 2963616). Invitae Evidence Modeling of protein sequence and biophysical properties (such as structural, functional, and spatial information, amino acid conservation, physicochemical variation, residue mobility, and thermodynamic stability) indicates that this missense variant is not expected to disrupt PDE4D protein function with a negative predictive value of 80%. In summary, the available evidence is currently insufficient to determine the role of this variant in disease. Therefore, it has been classified as a Variant of Uncertain Significance.

Ambry Genetics
Classification: Uncertain significance for Inborn genetic diseases. Last evaluated: 2023-03-06. Review status: criteria provided, single submitter. Criteria: Ambry Variant Classification Scheme 2023. Collection method: clinical testing. Allele origin: germline.

NM_001104631.2(PDE4D):c.1495A>G (p.Ser499Gly)

Gene: PDE4D (phosphodiesterase 4D; minus strand). Cytogenetic location: 5q11.2.
Variant type: single nucleotide variant.
Coding change: c.1495A>G on transcript NM_001104631.2 (MANE Select); coding-DNA position 1495, A replaced by G.
Protein change: p.Ser499Gly; replaces serine 499 with glycine.
Molecular consequence: missense variant.
Genome position (GRCh38, 1-based): chr5:58,988,550, T>C on the plus strand (A>G on the coding strand, the complement: PDE4D is on the minus strand). VCF-style: chr5-58988550-T-C. GRCh37 (hg19) VCF-style: chr5-58284377-T-C.
Other names: c.1495A>G (NM_001104631.1); c.1087A>G, p.Ser363Gly (NM_006203.5); c.1312A>G, p.Ser438Gly (NM_001165899.2, NM_001364599.1); c.1303A>G, p.Ser435Gly (NM_001197218.2); c.1129A>G, p.Ser377Gly (NM_001197219.2); c.1105A>G, p.Ser369Gly (NM_001197220.2); c.589A>G, p.Ser197Gly (NM_001197221.2, NM_001364603.1); c.823A>G, p.Ser275Gly (NM_001197222.2); and 4 more; short protein forms S377G, S499G, S197G, S363G, S369G, S438G, S243G, S389G.
Identifiers: ClinVar variation 2963616 (VCV002963616.4), dbSNP rs758935869, ClinGen allele CA3276060.